The following is an entry in ClinVar:

ClinVar aggregate classification (germline): Likely pathogenic (1 of 4 stars; one submission).

Conditions:
Hereditary spherocytosis type 2. Also called: SPHEROCYTOSIS, TYPE 2, AUTOSOMAL DOMINANT. Identifiers: Orphanet 822, MedGen C2674219, MONDO:0000913, OMIM 616649.

Submission:

Neuberg Centre For Genomic Medicine, NCGM
Classification: Likely pathogenic for Hereditary spherocytosis type 2. Review status: criteria provided, single submitter. Criteria: ACMG Guidelines, 2015. Collection method: clinical testing. Allele origin: germline. Inheritance: Autosomal dominant inheritance. Affected: yes.
Comment: The frameshift duplication p.G1601Wfs*11 in SPTB (NM_001355436.2) has not been reported previously as a pathogenic variant nor as a benign variant, to our knowledge. The p.G1601Wfs*11 variant is novel (not in any individuals) in gnomAD Exomes and is novel (not in any individuals) in 1000 Genomes. This variant is predicted to cause loss of normal protein function through protein truncation. Loss of function variants have been previously reported to be disease causing. For these reasons, this variant has been classified as Likely Pathogenic.

NM_001355436.2(SPTB):c.4800dup (p.Gly1601fs)

Gene: SPTB (spectrin beta, erythrocytic; minus strand). Cytogenetic location: 14q23.3.
Variant type: Duplication.
Coding change: c.4800dup on transcript NM_001355436.2 (MANE Select); coding-DNA position 4800, one base duplicated (T; older notation c.4800dupT).
Protein change: p.Gly1601fs; shifts the reading frame from glycine 1601.
Molecular consequence: frameshift variant.
Genome position (GRCh38, 1-based): chr14:64,775,167, A duplicated on the plus strand (T on the coding strand, the reverse complement: SPTB is on the minus strand); the first of 2 consecutive A bases (chr14:64,775,167-64,775,168); duplicating either gives the same sequence. VCF-style (leftmost placement, unchanged base first): chr14-64775166-C-CA. GRCh37 (hg19) VCF-style: chr14-65241884-C-CA.
Other names: NM_000347.5:c.4800dupT; c.4800dup, p.Gly1601fs (NM_001024858.4, NM_001355437.2); short protein forms G1601fs.
Identifiers: ClinVar variation 2627394 (VCV002627394.1), dbSNP rs2503070132, ClinGen allele CA2582341757.